The following is an entry in ClinVar:

ClinVar aggregate classification (germline): Benign. Review status: criteria provided, single submitter (1 of 4 stars). 2 submissions from 2 submitters: Benign (1). 1 of the submissions does not count toward it. Last evaluated 2026-03-01.

Conditions:
Hereditary cancer-predisposing syndrome. Also called: Neoplastic Syndromes, Hereditary; Hereditary Cancer Syndrome; Tumor predisposition; Hereditary neoplastic syndrome. Identifiers: Orphanet 140162, MedGen C0027672, MeSH D009386, MONDO:0015356.

Allele frequency attached by ClinVar (database versions not stated): TOPMed 0.00589; ESP Exome Variant Server 0.00600; 1000 Genomes Project 0.00779; 1000 Genomes Project 30x 0.00874.
gnomAD v4.1: 2,324 of 1,596,770 alleles (0.15%); highest among the groups gnomAD compares: African/African-American, 1.9%; 16 homozygotes.

Submissions (5):

CeGaT Center for Human Genetics Tuebingen
Classification: Benign. Last evaluated: 2026-03-01. Review status: criteria provided, single submitter. Criteria: CeGaT Center For Human Genetics Tuebingen Variant Classification Criteria Version 2. Collection method: clinical testing. Allele origin: germline. Affected: yes. Observed: 2 variant alleles.
Comment: RAD51B: BS1, BS2

University of Washington Department of Laboratory Medicine, University of Washington
Classification: Likely benign for Hereditary cancer-predisposing syndrome. Last evaluated: 2015-12-01. Review status: no assertion criteria provided. Collection method: clinical testing. Allele origin: germline. Affected: yes. Not counted in ClinVar's aggregate classification.

Dr. Peter K. Rogan Lab, Western University
No classification provided (evidence only). Condition: Cervical cancer. Review status: no classification provided. Collection method: in vitro. Allele origin: not applicable. Functional consequence: retained intron. Not counted in ClinVar's aggregate classification.

Dr. Peter K. Rogan Lab, Western University
No classification provided (evidence only). Condition: Cervical cancer. Review status: no classification provided. Collection method: in vitro. Allele origin: not applicable. Functional consequence: skipped exon. Not counted in ClinVar's aggregate classification.

Dr. Peter K. Rogan Lab, Western University
No classification provided (evidence only). Condition: Sarcoma. Review status: no classification provided. Collection method: in vitro. Allele origin: not applicable. Functional consequence: skipped exon. Not counted in ClinVar's aggregate classification.

NM_133510.4(RAD51B):c.958-29A>T

Gene: RAD51B (RAD51 paralog B; plus strand). Cytogenetic location: 14q24.1.
Variant type: single nucleotide variant.
Coding change: c.958-29A>T on transcript NM_133510.4 (MANE Select); 29 bases into the intron before coding-DNA position 958, A replaced by T.
Molecular consequence: intron variant.
Genome position (GRCh38, 1-based): chr14:68,468,143, A>T. VCF-style: chr14-68468143-A-T. GRCh37 (hg19) VCF-style: chr14-68934860-A-T.
Other names: NC_000014.8:g.68934860A>T; c.958-29A>T (NM_001321818.2, NM_001321809.2, NM_001321821.2 and 6 more transcripts); c.601-29A>T (NM_001321817.2); c.844-29A>T (NM_001321815.1).
Identifiers: ClinVar variation 223989 (VCV000223989.8), dbSNP rs34436700, ClinGen allele CA212325.